The following is an entry in ClinVar:

ClinVar aggregate classification (germline): Uncertain significance. Review status: criteria provided, multiple submitters, no conflicts (2 of 4 stars). 5 submissions from 5 submitters: Uncertain significance (5). Last evaluated 2025-11-24.

Conditions:
Hereditary cancer-predisposing syndrome. Also called: Neoplastic Syndromes, Hereditary; Tumor predisposition; Hereditary Cancer Syndrome; Hereditary neoplastic syndrome. Identifiers: Orphanet 140162, MedGen C0027672, MeSH D009386, MONDO:0015356.
Familial cancer of breast. Also called: BREAST CANCER, FAMILIAL; hereditary breast carcinoma; Hereditary breast cancer. Identifiers: Orphanet 227535, MedGen C0346153, MONDO:0016419, OMIM 114480. Disease mechanism: loss of function.
CHEK2-related cancer predisposition (TPDS4). Also called: CHEK2-related cancer susceptibility; TUMOR PREDISPOSITION SYNDROME 4; CANCER PREDISPOSITION SYNDROME, CHEK2-RELATED. Identifiers: Orphanet 524, MedGen C5882668, MONDO:0700271, OMIM 609265.

Allele frequency attached by ClinVar (database versions not stated): TOPMed below 0.00001; gnomAD 0.00001; gnomAD exomes 0.00001 and 0.00003; ExAC 0.00002; 1000 Genomes Project 30x 0.00031; 1000 Genomes Project 0.00040.
gnomAD v4.1: 11 of 1,612,156 alleles (0.00068%); highest among the groups gnomAD compares: South Asian, 0.0099%; no homozygotes.

Submissions (5):

Labcorp Genetics (formerly Invitae), Labcorp
Classification: Uncertain significance for Familial cancer of breast. Last evaluated: 2025-11-24. Review status: criteria provided, single submitter. Criteria: Invitae Variant Classification Sherloc (09022015). Collection method: clinical testing. Allele origin: germline.
Comment: This sequence change replaces valine, which is neutral and non-polar, with isoleucine, which is neutral and non-polar, at codon 451 of the CHEK2 protein (p.Val451Ile). This variant is present in population databases (rs548796284, gnomAD 0.02%). This variant has not been reported in the literature in individuals affected with CHEK2-related conditions. ClinVar contains an entry for this variant (Variation ID: 232867). An algorithm developed to predict the effect of missense changes on protein structure and function (PolyPhen-2) suggests that this variant is likely to be tolerated. In summary, the available evidence is currently insufficient to determine the role of this variant in disease. Therefore, it has been classified as a Variant of Uncertain Significance.

Ambry Genetics
Classification: Uncertain significance for Hereditary cancer-predisposing syndrome. Last evaluated: 2025-08-20. Review status: criteria provided, single submitter. Criteria: Ambry Variant Classification Scheme 2023. Collection method: clinical testing. Allele origin: germline.
Comment: The p.V451I variant (also known as c.1351G>A), located in coding exon 11 of the CHEK2 gene, results from a G to A substitution at nucleotide position 1351. The valine at codon 451 is replaced by isoleucine, an amino acid with highly similar properties. This alteration was observed in with an allele frequency of 0.00099 in 7051 unselected female breast cancer patients and was observed with an allele frequency of 0.00009 in 11241 female controls of Japanese ancestry (Momozawa Y et al. Nat Commun, 2018 10;9:4083). This amino acid position is not well conserved in available vertebrate species. In addition, this alteration is predicted to be tolerated by in silico analysis. Since supporting evidence is limited at this time, the clinical significance of this alteration remains unclear.

Sema4
Classification: Uncertain significance for Hereditary cancer-predisposing syndrome. Last evaluated: 2022-02-24. Review status: criteria provided, single submitter. Criteria: Sema4 Curation Guidelines. Collection method: curation. Allele origin: germline.
Comment: The CHEK2 c.1351G>A (p.V451I) variant has been reported in heterozygosity in at least one individual with breast cancer (PMID: 33471991). It was observed in 7/30616 chromosomes of the South Asian subpopulation in the large and broad cohorts of the Genome Aggregation Database (PMID: 32461654). The variant has been reported in ClinVar (Variation ID 232867). In silico tools suggest the impact of the variant on protein function is benign, though these predictions have not been confirmed by functional studies. The evidence is insufficient to meet ACMG/AMP criteria for classifying the variant as benign or pathogenic. Thus, the clinical significance of this variant is currently uncertain.

Department of Pathology and Laboratory Medicine, Sinai Health System
Classification: Uncertain significance for CHEK2-related cancer predisposition. Last evaluated: 2021-06-09. Review status: criteria provided, single submitter. Criteria: ACMG Guidelines, 2015. Collection method: clinical testing. Allele origin: germline. Affected: yes.

Color Diagnostics, LLC DBA Color Health
Classification: Uncertain significance for Hereditary cancer-predisposing syndrome. Last evaluated: 2019-10-09. Review status: criteria provided, single submitter. Criteria: ACMG Guidelines, 2015. Collection method: clinical testing. Allele origin: germline.
Comment: This missense variant replaces valine with isoleucine at codon 451 of the CHEK2 protein. Computational prediction suggests that this variant may not impact protein structure and function (internally defined REVEL score threshold <= 0.5, PMID: 27666373). Splice site prediction tools suggest that this variant may not impact RNA splicing. To our knowledge, functional studies have not been performed for this variant. This variant has not been reported in individuals affected with hereditary cancer in the literature. This variant has been identified in 7/251058 chromosomes in the general population by the Genome Aggregation Database (gnomAD). The available evidence is insufficient to determine the role of this variant in disease conclusively. Therefore, this variant is classified as a Variant of Uncertain Significance.

Literature cited by the submitters: PubMed 30287823 (cited by Ambry Genetics and Department of Pathology and Laboratory Medicine, Sinai Health System); PubMed 33471991 (cited by Sema4).

NM_007194.4(CHEK2):c.1351G>A (p.Val451Ile)

Gene: CHEK2 (checkpoint kinase 2; minus strand). Cytogenetic location: 22q12.1.
Variant type: single nucleotide variant.
Coding change: c.1351G>A on transcript NM_007194.4 (MANE Select); coding-DNA position 1351, G replaced by A.
Protein change: p.Val451Ile; replaces valine 451 with isoleucine.
Molecular consequence: missense variant.
Genome position (GRCh38, 1-based): chr22:28,695,151, C>T on the plus strand (G>A on the coding strand, the complement: CHEK2 is on the minus strand). VCF-style: chr22-28695151-C-T. GRCh37 (hg19) VCF-style: chr22-29091139-C-T.
Other names: c.1480G>A, p.Val494Ile (NM_001005735.3); c.688G>A, p.Val230Ile (NM_001257387.3); c.1150G>A, p.Val384Ile (NM_001349956.3); c.1264G>A, p.Val422Ile (NM_145862.3); short protein forms V451I, V384I, V230I, V422I, V494I.
Identifiers: ClinVar variation 232867 (VCV000232867.19), dbSNP rs548796284, ClinGen allele CA10167677.